The following is an entry in ClinVar:

ClinVar aggregate classification (germline): Uncertain significance. Review status: criteria provided, multiple submitters, no conflicts (2 of 4 stars). 2 submissions from 2 submitters: Uncertain significance (2). Last evaluated 2025-06-09.

Conditions:
Inborn genetic diseases. Identifiers: MedGen C0950123, MeSH D030342.

Allele frequency attached by ClinVar (database versions not stated): 1000 Genomes Project 30x 0.00016; 1000 Genomes Project 0.00020.
gnomAD v4.1: 10 of 1,611,232 alleles (0.00062%); highest among the groups gnomAD compares: South Asian, 0.0099%; no homozygotes.

Submissions (2):

Ambry Genetics
Classification: Uncertain significance for Inborn genetic diseases. Last evaluated: 2025-06-09. Review status: criteria provided, single submitter. Criteria: Ambry Variant Classification Scheme 2023. Collection method: clinical testing. Allele origin: germline.

Labcorp Genetics (formerly Invitae), Labcorp
Classification: Uncertain significance. Last evaluated: 2022-10-18. Review status: criteria provided, single submitter. Criteria: Invitae Variant Classification Sherloc (09022015). Collection method: clinical testing. Allele origin: germline.
Comment: This sequence change replaces serine, which is neutral and polar, with asparagine, which is neutral and polar, at codon 977 of the PCDH15 protein (p.Ser977Asn). This variant is present in population databases (rs575195041, gnomAD 0.02%). This variant has not been reported in the literature in individuals affected with PCDH15-related conditions. Advanced modeling of protein sequence and biophysical properties (such as structural, functional, and spatial information, amino acid conservation, physicochemical variation, residue mobility, and thermodynamic stability) has been performed at Invitae for this missense variant, however the output from this modeling did not meet the statistical confidence thresholds required to predict the impact of this variant on PCDH15 protein function. In summary, the available evidence is currently insufficient to determine the role of this variant in disease. Therefore, it has been classified as a Variant of Uncertain Significance.

NM_001384140.1(PCDH15):c.2930G>A (p.Ser977Asn)

Gene: PCDH15 (protocadherin related 15; minus strand). Cytogenetic location: 10q21.1.
Variant type: single nucleotide variant.
Coding change: c.2930G>A on transcript NM_001384140.1 (MANE Select); coding-DNA position 2930, G replaced by A.
Protein change: p.Ser977Asn; replaces serine 977 with asparagine.
Molecular consequence: missense variant.
Genome position (GRCh38, 1-based): chr10:53,961,831, C>T on the plus strand (G>A on the coding strand, the complement: PCDH15 is on the minus strand). VCF-style: chr10-53961831-C-T. GRCh37 (hg19) VCF-style: chr10-55721591-C-T.
Other names: c.2945G>A, p.Ser982Asn (NM_001142763.2, NM_001142771.2); c.2930G>A, p.Ser977Asn (NM_001142764.2, NM_001142766.2, NM_001142770.3 and 4 more transcripts); c.2717G>A, p.Ser906Asn (NM_001142765.2); c.2819G>A, p.Ser940Asn (NM_001142767.2); c.2864G>A, p.Ser955Asn (NM_001142768.2, NM_001142773.2, NM_001354404.2); c.2966G>A, p.Ser989Asn (NM_001142769.4); c.2951G>A, p.Ser984Asn (NM_001354411.2); short protein forms S984N, S955N, S989N, S977N, S906N, S940N, S982N.
Identifiers: ClinVar variation 2141798 (VCV002141798.2), dbSNP rs575195041, ClinGen allele CA5505873.